The following is an entry in ClinVar:

NM_000153.4(GALC):c.1005C>T (p.Tyr335=)

Gene: GALC (galactosylceramidase; minus strand). Cytogenetic location: 14q31.3.
Variant type: single nucleotide variant.
Coding change: c.1005C>T on transcript NM_000153.4 (MANE Select); coding-DNA position 1005, C replaced by T.
Protein change: p.Tyr335=; no amino-acid change (tyrosine 335 retained).
Molecular consequence: synonymous variant.
Genome position (GRCh38, 1-based): chr14:87,965,533, G>A on the plus strand (C>T on the coding strand, the complement: GALC is on the minus strand). VCF-style: chr14-87965533-G-A. GRCh37 (hg19) VCF-style: chr14-88431877-G-A.
Other names: c.936C>T, p.Tyr312= (NM_001201401.2); c.927C>T, p.Tyr309= (NM_001201402.2).
Identifiers: ClinVar variation 1143688 (VCV001143688.33), dbSNP rs1319599087, ClinGen allele CA487364903.

ClinVar aggregate classification (germline): Likely benign. Review status: criteria provided, multiple submitters, no conflicts (2 of 4 stars). 2 submissions from 2 submitters: Likely benign (2). Last evaluated 2024-12-09.

Conditions:
Galactosylceramide beta-galactosidase deficiency. Also called: Leukodystrophy, Globoid Cell; Krabbe Disease; GALACTOCEREBROSIDASE DEFICIENCY; GALC DEFICIENCY; GLOBOID CELL LEUKOENCEPHALOPATHY. Identifiers: Orphanet 487, MedGen C0023521, MONDO:0009499, OMIM 245200.

Allele frequency attached by ClinVar (database versions not stated): gnomAD exomes below 0.00001 and 0.00001; gnomAD 0.00001.

Submissions (2):

Labcorp Genetics (formerly Invitae), Labcorp
Classification: Likely benign for Galactosylceramide beta-galactosidase deficiency. Last evaluated: 2024-12-09. Review status: criteria provided, single submitter. Criteria: Invitae Variant Classification Sherloc (09022015). Collection method: clinical testing. Allele origin: germline.

CeGaT Center for Human Genetics Tuebingen
Classification: Likely benign. Last evaluated: 2022-11-01. Review status: criteria provided, single submitter. Criteria: CeGaT Center For Human Genetics Tuebingen Variant Classification Criteria Version 2. Collection method: clinical testing. Allele origin: germline. Affected: yes. Observed: 1 variant allele.
Comment: GALC: BP4, BP7